The following is an entry in ClinVar:

NM_007118.4(TRIO):c.2154G>T (p.Gln718His)

Gene: TRIO (trio Rho guanine nucleotide exchange factor; plus strand). Cytogenetic location: 5p15.2.
Variant type: single nucleotide variant.
Coding change: c.2154G>T on transcript NM_007118.4 (MANE Select); coding-DNA position 2154, G replaced by T.
Protein change: p.Gln718His; replaces glutamine 718 with histidine.
Molecular consequence: missense variant. On other transcripts: non-coding transcript variant (1).
Genome position (GRCh38, 1-based): chr5:14,358,285, G>T. VCF-style: chr5-14358285-G-T. GRCh37 (hg19) VCF-style: chr5-14358394-G-T.
Other names: short protein forms Q718H.
Identifiers: ClinVar variation 4881014 (VCV004881014.2).

ClinVar aggregate classification (germline): Uncertain significance (1 of 4 stars; one submission).

Submission:

Dasa
Classification: Uncertain significance. Last evaluated: 2025-06-27. Review status: criteria provided, single submitter. Criteria: DASA Assertion Criteria. Collection method: clinical testing. Allele origin: germline.
Comment: NM_007118.4(TRIO):c.2154G>T (p.Gln718His) is a missense variant that results in the substitution of glutamine with histidine. This variant is rare in population databases. Computational prediction algorithms are consistent with a benign effect. The currently available literature and clinical evidence are not sufficient to establish a definitive association between this variant and the reported condition. Therefore, this variant is classified as a variant of uncertain significance.